The following is an entry in ClinVar:

ClinVar aggregate classification (germline): Pathogenic (1 of 4 stars; one submission).

Conditions:
Charlevoix-Saguenay spastic ataxia (SACS). Also called: AUTOSOMAL RECESSIVE SPASTIC ATAXIA OF CHARLEVOIX-SAGUENAY; Spastic ataxia of Charlevoix-Saguenay; SPASTIC ATAXIA 6, AUTOSOMAL RECESSIVE. Identifiers: Orphanet 98, MedGen C1849140, MONDO:0010041, OMIM 270550.

Submission:

Myriad Genetics, Inc.
Classification: Pathogenic for Charlevoix-Saguenay spastic ataxia. Last evaluated: 2024-09-23. Review status: criteria provided, single submitter. Criteria: Myriad Autosomal Dominant, Autosomal Recessive and X-Linked Classification Criteria (2023). Collection method: clinical testing. Allele origin: unknown.
Comment: NM_014363.4(SACS):c.1147_1148delAG(S383Yfs*2) is expected to be pathogenic in the context of autosomal recessive spastic ataxia of Charlevoix-Saguenay. This variant is predicted to lead to an abnormal or absent protein product due to the creation of a premature termination codon in SACS, a gene where loss-of-function variants are known to be pathogenic. Please note: this variant was assessed in the context of healthy population screening.

NM_014363.6(SACS):c.1147_1148del (p.Ser383fs)

Gene: SACS (sacsin molecular chaperone; minus strand). Cytogenetic location: 13q12.12.
Variant type: Microsatellite.
Coding change: c.1147_1148del on transcript NM_014363.6 (MANE Select); coding-DNA positions 1147 to 1148, 2 bases deleted (AG; older notation c.1147_1148delAG).
Protein change: p.Ser383fs; shifts the reading frame from serine 383.
Molecular consequence: frameshift variant.
Genome position (GRCh38, 1-based): chr13:23,355,464-23,355,465, CT deleted on the plus strand (AG on the coding strand, the reverse complement: SACS is on the minus strand); deleting any 2 consecutive bases within chr13:23,355,464-23,355,468 gives the same sequence; the c. name uses the placement nearest the transcript's 3' end. VCF-style (leftmost placement, unchanged base first): chr13-23355463-ACT-A. GRCh37 (hg19) VCF-style: chr13-23929602-ACT-A.
Other names: c.706_707del, p.Ser236fs (NM_001278055.2); c.1147_1148del, p.Ser383fs (NM_001437336.1); short protein forms S236fs, S383fs.
Identifiers: ClinVar variation 5013574 (VCV005013574.1).